The following is an entry in ClinVar:

NM_005051.3(QARS1):c.697A>C (p.Lys233Gln)

Gene: QARS1 (glutaminyl-tRNA synthetase 1; minus strand). Cytogenetic location: 3p21.31.
Variant type: single nucleotide variant.
Coding change: c.697A>C on transcript NM_005051.3 (MANE Select); coding-DNA position 697, A replaced by C.
Protein change: p.Lys233Gln; replaces lysine 233 with glutamine.
Molecular consequence: missense variant. On other transcripts: non-coding transcript variant (1).
Genome position (GRCh38, 1-based): chr3:49,101,834, T>G on the plus strand (A>C on the coding strand, the complement: QARS1 is on the minus strand). VCF-style: chr3-49101834-T-G. GRCh37 (hg19) VCF-style: chr3-49139267-T-G.
Other names: c.664A>C, p.Lys222Gln (NM_001272073.2); short protein forms K222Q, K233Q.
Identifiers: ClinVar variation 968099 (VCV000968099.8), dbSNP rs1248234116, ClinGen allele CA352715041.

ClinVar aggregate classification (germline): Uncertain significance. Review status: criteria provided, multiple submitters, no conflicts (2 of 4 stars). 2 submissions from 2 submitters: Uncertain significance (2). Last evaluated 2024-09-30.

Conditions:
Diffuse cerebral and cerebellar atrophy - intractable seizures - progressive microcephaly syndrome. Also called: Microcephaly, progressive, with seizures and cerebral and cerebellar atrophy. Identifiers: Orphanet 404437, MedGen C4014239, MONDO:0014335, OMIM 615760.

Allele frequency attached by ClinVar (database versions not stated): gnomAD exomes 0.00001; TOPMed 0.00002; gnomAD 0.00003 and 0.00004.
gnomAD v4.1: 10 of 1,612,236 alleles (0.00062%); highest among the groups gnomAD compares: Admixed American, 0.01%; no homozygotes.

Submissions (2):

Labcorp Genetics (formerly Invitae), Labcorp
Classification: Uncertain significance for Diffuse cerebral and cerebellar atrophy - intractable seizures - progressive microcephaly syndrome. Last evaluated: 2024-09-30. Review status: criteria provided, single submitter. Criteria: Invitae Variant Classification Sherloc (09022015). Collection method: clinical testing. Allele origin: germline.
Comment: This sequence change replaces lysine, which is basic and polar, with glutamine, which is neutral and polar, at codon 233 of the QARS protein (p.Lys233Gln). This variant is present in population databases (no rsID available, gnomAD 0.003%). This variant has not been reported in the literature in individuals affected with QARS-related conditions. ClinVar contains an entry for this variant (Variation ID: 968099). Invitae Evidence Modeling of protein sequence and biophysical properties (such as structural, functional, and spatial information, amino acid conservation, physicochemical variation, residue mobility, and thermodynamic stability) has been performed for this missense variant. However, the output from this modeling did not meet the statistical confidence thresholds required to predict the impact of this variant on QARS protein function. In summary, the available evidence is currently insufficient to determine the role of this variant in disease. Therefore, it has been classified as a Variant of Uncertain Significance.

GeneDx
Classification: Uncertain significance. Last evaluated: 2020-11-10. Review status: criteria provided, single submitter. Criteria: GeneDx Variant Classification Process June 2021. Collection method: clinical testing. Allele origin: germline. Affected: yes.
Comment: Not observed at a significant frequency in large population cohorts (Lek et al., 2016); In silico analysis supports that this missense variant has a deleterious effect on protein structure/function; Has not been previously published as pathogenic or benign to our knowledge